The following is an entry in ClinVar:

ClinVar aggregate classification (germline): Uncertain significance. Review status: criteria provided, multiple submitters, no conflicts (2 of 4 stars). 3 submissions from 3 submitters: Uncertain significance (3). Last evaluated 2025-05-19.

Conditions:
Fanconi anemia (FA). Also called: Fanconi's anemia. Identifiers: Orphanet 84, MedGen C0015625, MeSH D005199, MONDO:0019391.
Fanconi anemia complementation group A (FANCA). Also called: Fanconi anemia, group A; FANCA-Related Fanconi Anemia. Identifiers: Orphanet 84, MedGen C3469521, MONDO:0009215, OMIM 227650.

gnomAD v4.1: 12 of 1,525,038 alleles (0.00079%); highest among the groups gnomAD compares: African/African-American, 0.0014%; no homozygotes.

Submissions (3):

Labcorp Genetics (formerly Invitae), Labcorp
Classification: Uncertain significance for Fanconi anemia. Last evaluated: 2025-05-19. Review status: criteria provided, single submitter. Criteria: Invitae Variant Classification Sherloc (09022015). Collection method: clinical testing. Allele origin: germline.
Comment: This sequence change replaces serine, which is neutral and polar, with cysteine, which is neutral and slightly polar, at codon 2 of the FANCA protein (p.Ser2Cys). The frequency data for this variant in the population databases is considered unreliable, as metrics indicate poor data quality at this position in the gnomAD database. This variant has not been reported in the literature in individuals affected with FANCA-related conditions. ClinVar contains an entry for this variant (Variation ID: 1692230). Invitae Evidence Modeling of protein sequence and biophysical properties (such as structural, functional, and spatial information, amino acid conservation, physicochemical variation, residue mobility, and thermodynamic stability) has been performed for this missense variant. However, the output from this modeling did not meet the statistical confidence thresholds required to predict the impact of this variant on FANCA protein function. In summary, the available evidence is currently insufficient to determine the role of this variant in disease. Therefore, it has been classified as a Variant of Uncertain Significance.

Fulgent Genetics
Classification: Uncertain significance for Fanconi anemia complementation group A. Last evaluated: 2024-02-03. Review status: criteria provided, single submitter. Criteria: ACMG Guidelines, 2015. Collection method: clinical testing. Allele origin: germline.

Sema4
Classification: Uncertain significance for Fanconi anemia. Last evaluated: 2021-11-15. Review status: criteria provided, single submitter. Criteria: Sema4 Curation Guidelines. Collection method: curation. Allele origin: germline.
Comment: The FANCA c.5C>G (p.S2C) variant has not been reported in the literature to our knowledge. It was observed in 1/47626 chromosomes of the European (non-Finnish) subpopulation in the large and broad cohorts of the Genome Aggregation Database (PMID: 32461654), but has not been reported in ClinVar. Functional studies have not been performed, and in silico predictions of the variant's effect on protein function are inconclusive. The evidence is insufficient to meet ACMG/AMP criteria for classifying the variant as benign or pathogenic. Thus, the clinical significance of this variant is currently uncertain.

NM_000135.4(FANCA):c.5C>G (p.Ser2Cys)

Genes: FANCA (FA complementation group A; minus strand), LOC112486223 (Sharpr-MPRA regulatory region 3988; plus strand). Cytogenetic location: 16q24.3.
Variant type: single nucleotide variant.
Coding change: c.5C>G on transcript NM_000135.4 (MANE Select); coding-DNA position 5, C replaced by G.
Protein change: p.Ser2Cys; replaces serine 2 with cysteine.
Molecular consequence: missense variant.
Genome position (GRCh38, 1-based): chr16:89,816,611, G>C on the plus strand (C>G on the coding strand, the complement: FANCA is on the minus strand). VCF-style: chr16-89816611-G-C. GRCh37 (hg19) VCF-style: chr16-89883019-G-C.
Other names: c.5C>G, p.Ser2Cys (NM_001018112.3, NM_001286167.3, NM_001351830.2); short protein forms S2C.
Identifiers: ClinVar variation 1692230 (VCV001692230.5), dbSNP rs928016876, ClinGen allele CA286612860.